The following is an entry in ClinVar:

NM_001114753.3(ENG):c.497A>G (p.Gln166Arg)

Gene: ENG (endoglin; minus strand). Cytogenetic location: 9q34.11.
Variant type: single nucleotide variant.
Coding change: c.497A>G on transcript NM_001114753.3 (MANE Select); coding-DNA position 497, A replaced by G.
Protein change: p.Gln166Arg; replaces glutamine 166 with arginine.
Molecular consequence: missense variant. On other transcripts: 5 prime UTR variant (1).
Genome position (GRCh38, 1-based): chr9:127,826,536, T>C on the plus strand (A>G on the coding strand, the complement: ENG is on the minus strand). VCF-style: chr9-127826536-T-C. GRCh37 (hg19) VCF-style: chr9-130588815-T-C.
Other names: c.497A>G, p.Gln166Arg (NM_000118.4, NM_001406715.1); c.-50A>G (NM_001278138.2); c.497A>G (NM_001114753.1); short protein forms Q166R.
Identifiers: ClinVar variation 2043704 (VCV002043704.7), dbSNP rs994887264, ClinGen allele CA200314448.

ClinVar aggregate classification (germline): Uncertain significance. Review status: criteria provided, multiple submitters, no conflicts (2 of 4 stars). 4 submissions from 4 submitters: Uncertain significance (4). Last evaluated 2026-02-23.

Conditions:
Hereditary hemorrhagic telangiectasia (HHT). Also called: ORW DISEASE; Osler Weber Rendu syndrome; OSLER-RENDU-WEBER DISEASE; Osler hemorrhagic telangiectasia syndrome. Identifiers: Orphanet 774, MedGen C0039445, MONDO:0019180. Disease mechanism: loss of function.
Cardiovascular phenotype. Identifiers: MedGen CN230736.
Telangiectasia, hereditary hemorrhagic, type 1 (HHT1). Also called: Osler Weber Rendu syndrome type 1; ENG-Related Hereditary Hemorrhagic Telangiectasia. Identifiers: Orphanet 774, MedGen C4551861, MONDO:0008535, OMIM 187300. Disease mechanism: loss of function.

Allele frequency attached by ClinVar (database versions not stated): gnomAD exomes below 0.00001; TOPMed 0.00006.
gnomAD v4.1: 4 of 1,614,118 alleles (0.00025%); highest among the groups gnomAD compares: Admixed American, 0.0017%; no homozygotes.

Submissions (4):

Ambry Genetics
Classification: Uncertain significance for Cardiovascular phenotype. Last evaluated: 2026-02-23. Review status: criteria provided, single submitter. Criteria: Ambry Variant Classification Scheme 2023. Collection method: clinical testing. Allele origin: germline.
Comment: The p.Q166R variant (also known as c.497A>G), located in coding exon 4 of the ENG gene, results from an A to G substitution at nucleotide position 497. The glutamine at codon 166 is replaced by arginine, an amino acid with highly similar properties. This amino acid position is conserved. In addition, this alteration is predicted to be tolerated by in silico analysis. Based on the available evidence, the clinical significance of this variant remains unclear.

Blueprint Genetics
Classification: Uncertain significance. Last evaluated: 2024-04-09. Review status: criteria provided, single submitter. Criteria: ACMG Guidelines, 2015. Collection method: clinical testing. Allele origin: germline.

Impact Genetics, Dynacare/LabCorp
Classification: Uncertain significance for Telangiectasia, hereditary hemorrhagic, type 1. Last evaluated: 2023-11-24. Review status: criteria provided, single submitter. Criteria: DeMille et al. (Hum Mutat. 2024). Collection method: clinical testing. Allele origin: germline.
Comment: PM2_supporting, BP4

Labcorp Genetics (formerly Invitae), Labcorp
Classification: Uncertain significance for Hereditary hemorrhagic telangiectasia. Last evaluated: 2023-02-18. Review status: criteria provided, single submitter. Criteria: Invitae Variant Classification Sherloc (09022015). Collection method: clinical testing. Allele origin: germline.
Comment: This variant is not present in population databases (gnomAD no frequency). This variant has not been reported in the literature in individuals affected with ENG-related conditions. Advanced modeling of protein sequence and biophysical properties (such as structural, functional, and spatial information, amino acid conservation, physicochemical variation, residue mobility, and thermodynamic stability) performed at Invitae indicates that this missense variant is not expected to disrupt ENG protein function. In summary, the available evidence is currently insufficient to determine the role of this variant in disease. Therefore, it has been classified as a Variant of Uncertain Significance. This sequence change replaces glutamine, which is neutral and polar, with arginine, which is basic and polar, at codon 166 of the ENG protein (p.Gln166Arg).